The following is an entry in ClinVar:

ClinVar aggregate classification (germline): Uncertain significance. Review status: criteria provided, multiple submitters, no conflicts (2 of 4 stars). 2 submissions from 2 submitters: Uncertain significance (2). Last evaluated 2025-06-21.

Conditions:
Hereditary cancer-predisposing syndrome. Also called: Hereditary neoplastic syndrome; Neoplastic Syndromes, Hereditary; Tumor predisposition; Hereditary Cancer Syndrome. Identifiers: Orphanet 140162, MedGen C0027672, MeSH D009386, MONDO:0015356.
Haddad syndrome (OHD). Also called: Ondine-Hirschsprung disease. Identifiers: Orphanet 99803, MedGen C1859049, MONDO:0020493.

Allele frequency attached by ClinVar (database versions not stated): gnomAD exomes below 0.00001.

Submissions (2):

Ambry Genetics
Classification: Uncertain significance for Hereditary cancer-predisposing syndrome. Last evaluated: 2025-06-21. Review status: criteria provided, single submitter. Criteria: Ambry Variant Classification Scheme 2023. Collection method: clinical testing. Allele origin: germline.
Comment: The p.G90S variant (also known as c.268G>A), located in coding exon 2 of the PHOX2B gene, results from a G to A substitution at nucleotide position 268. The glycine at codon 90 is replaced by serine, an amino acid with similar properties. This amino acid position is conserved. In addition, the in silico prediction for this alteration is inconclusive. Based on the available evidence, the clinical significance of this variant remains unclear.

Labcorp Genetics (formerly Invitae), Labcorp
Classification: Uncertain significance for Haddad syndrome. Last evaluated: 2023-08-18. Review status: criteria provided, single submitter. Criteria: Invitae Variant Classification Sherloc (09022015). Collection method: clinical testing. Allele origin: germline.
Comment: Advanced modeling of protein sequence and biophysical properties (such as structural, functional, and spatial information, amino acid conservation, physicochemical variation, residue mobility, and thermodynamic stability) performed at Invitae indicates that this missense variant is not expected to disrupt PHOX2B protein function. In summary, the available evidence is currently insufficient to determine the role of this variant in disease. Therefore, it has been classified as a Variant of Uncertain Significance. This variant has not been reported in the literature in individuals affected with PHOX2B-related conditions. This variant is not present in population databases (gnomAD no frequency). This sequence change replaces glycine, which is neutral and non-polar, with serine, which is neutral and polar, at codon 90 of the PHOX2B protein (p.Gly90Ser).

NM_003924.4(PHOX2B):c.268G>A (p.Gly90Ser)

Gene: PHOX2B (paired like homeobox 2B; minus strand). Cytogenetic location: 4p13.
Variant type: single nucleotide variant.
Coding change: c.268G>A on transcript NM_003924.4 (MANE Select); coding-DNA position 268, G replaced by A.
Protein change: p.Gly90Ser; replaces glycine 90 with serine.
Molecular consequence: missense variant.
Genome position (GRCh38, 1-based): chr4:41,747,510, C>T on the plus strand (G>A on the coding strand, the complement: PHOX2B is on the minus strand). VCF-style: chr4-41747510-C-T. GRCh37 (hg19) VCF-style: chr4-41749527-C-T.
Other names: short protein forms G90S.
Identifiers: ClinVar variation 2781757 (VCV002781757.4), dbSNP rs528408156, ClinGen allele CA356740519.
Genomic context (GRCh38, chr4:41,747,510, plus strand): 5'-GCTGGGCACTGGTGAAAGTGGTGCGGATGCGCCGCTGCTTGCGCTTCTCGTTGAGGCCGC[C>T]GTGGTCCGTGAAGAGTTTGTAAGGAACTAGAGTATGACAGAGGAGACAGAAAGTGAGCAA-3'
Protein context (NP_003915.2, residues 80-100): AVPYKLFTDH[Gly90Ser]GLNEKRKQRR